The following is an entry in ClinVar:

NM_201384.3(PLEC):c.9727G>C (p.Val3243Leu)

Gene: PLEC (plectin; minus strand). Cytogenetic location: 8q24.3.
Variant type: single nucleotide variant.
Coding change: c.9727G>C on transcript NM_201384.3 (MANE Select); coding-DNA position 9727, G replaced by C.
Protein change: p.Val3243Leu; replaces valine 3243 with leucine.
Molecular consequence: missense variant.
Genome position (GRCh38, 1-based): chr8:143,920,094, C>G on the plus strand (G>C on the coding strand, the complement: PLEC is on the minus strand). VCF-style: chr8-143920094-C-G. GRCh37 (hg19) VCF-style: chr8-144994262-C-G.
Other names: c.9808G>C, p.Val3270Leu (NM_000445.5); c.9685G>C, p.Val3229Leu (NM_201378.4); c.9661G>C, p.Val3221Leu (NM_201379.3); c.10138G>C, p.Val3380Leu (NM_201380.4); c.9631G>C, p.Val3211Leu (NM_201381.3); c.9727G>C, p.Val3243Leu (NM_201382.4); c.9739G>C, p.Val3247Leu (NM_201383.3); c.9808G>C (NM_000445.4); short protein forms V3211L, V3221L, V3229L, V3243L, V3247L, V3270L, V3380L.
Identifiers: ClinVar variation 500614 (VCV000500614.10), dbSNP rs377156107, ClinGen allele CA4924871.

ClinVar aggregate classification (germline): Uncertain significance. Review status: criteria provided, multiple submitters, no conflicts (2 of 4 stars). 3 submissions from 3 submitters: Uncertain significance (3). Last evaluated 2026-05-06.

Conditions:
Autosomal recessive limb-girdle muscular dystrophy type 2Q (LGMDR17). Also called: MUSCULAR DYSTROPHY, LIMB-GIRDLE, AUTOSOMAL RECESSIVE 17. Identifiers: Orphanet 254361, MedGen C3150989, MONDO:0013390, OMIM 613723.
Epidermolysis bullosa simplex 5B, with muscular dystrophy (EBS5B). Also called: EPIDERMOLYSIS BULLOSA SIMPLEX AND LIMB-GIRDLE MUSCULAR DYSTROPHY; Epidermolysis bullosa simplex with muscular dystrophy. Identifiers: Orphanet 257, MedGen C2931072, MONDO:0009181, OMIM 226670.
Epidermolysis bullosa simplex, Ogna type (EBS5A). Also called: Pidermolysis bullosa simplex 5A, Ogna type; EPIDERMOLYSIS BULLOSA SIMPLEX 5A, OGNA TYPE. Identifiers: Orphanet 79401, MedGen C0432317, MONDO:0007555, OMIM 131950.
Epidermolysis bullosa simplex with nail dystrophy (EBS5D). Identifiers: MedGen C4225309, MONDO:0014661, OMIM 616487.
Epidermolysis bullosa simplex 5C, with pyloric atresia (EBS5C). Also called: PLEC-Related Epidermolysis Bullosa with Pyloric Atresia; Epidermolysis bullosa simplex with pyloric atresia; PLEC1-Related Epidermolysis Bullosa with Pyloric Atresia. Identifiers: Orphanet 158684, MedGen C2677349, MONDO:0012807, OMIM 612138.
PLEC-related disorder. Also called: PLEC-related disorders; PLEC-related condition.

Allele frequency attached by ClinVar (database versions not stated): TOPMed 0.00002.
gnomAD v4.1: 19 of 1,613,056 alleles (0.0012%); highest among the groups gnomAD compares: Admixed American, 0.025%; no homozygotes.

Submissions (3):

PreventionGenetics, part of Exact Sciences
Classification: Uncertain significance for PLEC-related condition. Last evaluated: 2026-05-06. Review status: criteria provided, single submitter. Criteria: ACMG Guidelines, 2015. Collection method: clinical testing. Allele origin: germline.
Comment: The PLEC c.9808G>C variant is predicted to result in the amino acid substitution p.Val3270Leu. To our knowledge, this variant has not been reported in the literature. This variant is reported in 0.038% of alleles in individuals of Latino descent in gnomAD. At this time, the clinical significance of this variant is uncertain due to the absence of conclusive functional and genetic evidence.

Labcorp Genetics (formerly Invitae), Labcorp
Classification: Uncertain significance for Autosomal recessive limb-girdle muscular dystrophy type 2Q; Epidermolysis bullosa simplex, Ogna type; Epidermolysis bullosa simplex with nail dystrophy; Epidermolysis bullosa simplex 5C, with pyloric atresia; Epidermolysis bullosa simplex 5B, with muscular dystrophy. Last evaluated: 2025-11-18. Review status: criteria provided, single submitter. Criteria: Invitae Variant Classification Sherloc (09022015). Collection method: clinical testing. Allele origin: germline.
Comment: This sequence change replaces valine, which is neutral and non-polar, with leucine, which is neutral and non-polar, at codon 3270 of the PLEC protein (p.Val3270Leu). This variant is present in population databases (rs377156107, gnomAD 0.04%). This variant has not been reported in the literature in individuals affected with PLEC-related conditions. ClinVar contains an entry for this variant (Variation ID: 500614). An algorithm developed to predict the effect of missense changes on protein structure and function (PolyPhen-2) suggests that this variant is likely to be tolerated. In summary, the available evidence is currently insufficient to determine the role of this variant in disease. Therefore, it has been classified as a Variant of Uncertain Significance.

Eurofins Ntd Llc (ga)
Classification: Uncertain significance. Last evaluated: 2017-02-28. Review status: criteria provided, single submitter. Criteria: EGL Classification Definitions 2015. Collection method: clinical testing. Allele origin: germline. Observed: 1 variant allele, 1 heterozygote.